The following is an entry in ClinVar:

NM_022114.4(PRDM16):c.1615dup (p.Leu539fs)

Gene: PRDM16 (PR/SET domain 16; plus strand). Cytogenetic location: 1p36.32.
Variant type: Duplication.
Coding change: c.1615dup on transcript NM_022114.4 (MANE Select); coding-DNA position 1615, one base duplicated (C; older notation c.1615dupC).
Protein change: p.Leu539fs; shifts the reading frame from leucine 539.
Molecular consequence: frameshift variant.
Genome position (GRCh38, 1-based): chr1:3,411,812, C duplicated; the last of 5 consecutive C bases (chr1:3,411,808-3,411,812); duplicating any one gives the same sequence. VCF-style (leftmost placement, unchanged base first): chr1-3411807-G-GC. GRCh37 (hg19) VCF-style: chr1-3328371-G-GC.
Other names: c.1615dup, p.Leu539fs (NM_199454.3); short protein forms L539fs.
Identifiers: ClinVar variation 2072248 (VCV002072248.4), dbSNP rs2523882676, ClinGen allele CA2580062505.

ClinVar aggregate classification (germline): Uncertain significance (1 of 4 stars; one submission).

Conditions:
Left ventricular noncompaction 8 (LVNC8). Identifiers: Orphanet 154, Orphanet 54260, MedGen C3809288, MONDO:0014152, OMIM 615373.

Submission:

Labcorp Genetics (formerly Invitae), Labcorp
Classification: Uncertain significance for Left ventricular noncompaction 8. Last evaluated: 2023-10-23. Review status: criteria provided, single submitter. Criteria: Invitae Variant Classification Sherloc (09022015). Collection method: clinical testing. Allele origin: germline.
Comment: This sequence change creates a premature translational stop signal (p.Leu539Profs*65) in the PRDM16 gene. It is expected to result in an absent or disrupted protein product. However, the current clinical and genetic evidence is not sufficient to establish whether loss-of-function variants in PRDM16 cause disease. This variant is not present in population databases (gnomAD no frequency). This variant has not been reported in the literature in individuals affected with PRDM16-related conditions. ClinVar contains an entry for this variant (Variation ID: 2072248). In summary, the available evidence is currently insufficient to determine the role of this variant in disease. Therefore, it has been classified as a Variant of Uncertain Significance.